The following is an entry in ClinVar:

NR_029422.2(RNU12):n.77T>A

Gene: RNU12 (RNA, U12 small nuclear; plus strand). Cytogenetic location: 22q13.2.
Variant type: single nucleotide variant.
Molecular consequence: non-coding transcript variant (on NR_029422.2).
Genome position: GRCh38 VCF-style: chr22-42615320-T-A. GRCh37 (hg19) VCF-style: chr22-43011326-T-A.
Identifiers: ClinVar variation 2443785 (VCV002443785.2), dbSNP rs768684008, ClinGen allele CA324729823.

ClinVar aggregate classification (germline): Pathogenic. Review status: criteria provided, single submitter (1 of 4 stars). 2 submissions from 2 submitters: Pathogenic (1). 1 of the submissions does not count toward it. Last evaluated 2025-10-08.

Conditions:
Craniosynostosis-anal anomalies-porokeratosis syndrome (CAP syndrome). Also called: CDAGS syndrome. Identifiers: Orphanet 85199, MedGen C1864186, MONDO:0011287, OMIM 603116.
Spinocerebellar ataxia, autosomal recessive 33 (SCAR33). Identifiers: MedGen C5774297, MONDO:0859360, OMIM 620208.

Submissions (2):

Undiagnosed Diseases Network, NIH
Classification: Pathogenic for Spinocerebellar ataxia, autosomal recessive 33. Last evaluated: 2025-10-08. Review status: criteria provided, single submitter. Criteria: ACMG Guidelines, 2015. Collection method: clinical testing. Allele origin: paternal. Affected: yes. Observed: 1 variant allele, 1 compound heterozygote. Study: Undiagnosed Diseases Network (NIH), UDN.
Comment: The n.77T>A variant in the RNU12 gene has been described as pathogenic in ClinVar (ID: 2443785). This variant has been previously reported in a compound heterozygous state with another variant in individuals with CDAGS syndrome (PMID:34085356, internal data). This rare variant has been observed in gnomAD with a frequency of <0.001%. This variant has an inconclusive theoretical prediction score (CADD: 17.61). The evolutionary conservation of this nucleotide is high. This variant is located in the Sm binding site which is important for the Sm protein core assembly and RNU12‐dependent minor spliceosome complex formation. Allelic variant n.77T>G affecting this nucleotide has been reported in individuals with CDAGS syndrome (PMID: 34085356). Abnormal splicing analysis detected an excessive number of aberrant splicing events in the tested specimen.

OMIM
Classification: Pathogenic for CDAGS SYNDROME. Last evaluated: 2023-01-24. Review status: no assertion criteria provided. Collection method: literature only. Allele origin: germline. Not counted in ClinVar's aggregate classification.

Literature cited by the submitters: PubMed 27863452 (cited by Undiagnosed Diseases Network, NIH); PubMed 34085356 (cited by OMIM).